The following is an entry in ClinVar:

NM_000080.4(CHRNE):c.1093del (p.Ala365fs)

Genes: CHRNE (cholinergic receptor nicotinic epsilon subunit; minus strand), LOC130060041 (ATAC-STARR-seq lymphoblastoid silent region 8050; plus strand). Cytogenetic location: 17p13.2.
Variant type: Deletion.
Coding change: c.1093del on transcript NM_000080.4 (MANE Select); coding-DNA position 1093, one base deleted (G; older notation c.1093delG).
Protein change: p.Ala365fs; shifts the reading frame from alanine 365.
Molecular consequence: frameshift variant.
Genome position (GRCh38, 1-based): chr17:4,899,324, C deleted on the plus strand (G on the coding strand, the reverse complement: CHRNE is on the minus strand); the first of 3 consecutive C bases (chr17:4,899,324-4,899,326); deleting any one gives the same sequence. VCF-style (leftmost placement, unchanged base first): chr17-4899323-GC-G. GRCh37 (hg19) VCF-style: chr17-4802618-GC-G.
Other names: c.1093delG (NM_000080.3); c.1093del, p.Ala365fs (LRG_1254t1); short protein forms A365fs.
Identifiers: ClinVar variation 285864 (VCV000285864.19), dbSNP rs886043239, ClinGen allele CA10605279.

ClinVar aggregate classification (germline): Pathogenic/Likely pathogenic. Review status: criteria provided, multiple submitters, no conflicts (2 of 4 stars). 6 submissions from 6 submitters: Pathogenic (3); Likely pathogenic (3). Last evaluated 2026-07-31.

Conditions:
Congenital myasthenic syndrome (CMS). Also called: Congenital Myasthenic Syndromes. Identifiers: Orphanet 590, MedGen C0751882, MeSH D020294, MONDO:0018940.
Congenital myasthenic syndrome 4A. Also called: Myasthenic syndrome, congenital, 4a, slow-channel; CONGENITAL MYASTHENIC SYNDROME TYPE Ia1; MYASTHENIC SYNDROME, CONGENITAL, 4A, SLOW-CHANNEL, AUTOSOMAL RECESSIVE. Identifiers: Orphanet 590, MedGen C4225413, MONDO:0011600, OMIM 605809.

Submissions (6):

GeneDx
Classification: Likely pathogenic. Last evaluated: 2026-07-31. Review status: criteria provided, single submitter. Criteria: GeneDx Variant Classification Process June 2021. Collection method: clinical testing. Allele origin: germline.
Comment: Frameshift variant predicted to result in protein truncation or nonsense mediated decay in a gene for which loss of function is a known mechanism of disease; Not observed at significant frequency in large population cohorts (gnomAD); Has not been previously published as pathogenic or benign to our knowledge

Labcorp Genetics (formerly Invitae), Labcorp
Classification: Pathogenic for Congenital myasthenic syndrome 4A. Last evaluated: 2025-09-27. Review status: criteria provided, single submitter. Criteria: Invitae Variant Classification Sherloc (09022015). Collection method: clinical testing. Allele origin: germline.
Comment: This sequence change creates a premature translational stop signal (p.Ala365Profs*20) in the CHRNE gene. It is expected to result in an absent or disrupted protein product. Loss-of-function variants in CHRNE are known to be pathogenic (PMID: 22678886). This variant is not present in population databases (gnomAD no frequency). This variant has not been reported in the literature in individuals affected with CHRNE-related conditions. ClinVar contains an entry for this variant (Variation ID: 285864). For these reasons, this variant has been classified as Pathogenic.

Natera, Inc.
Classification: Likely pathogenic for Congenital myasthenic syndrome. Last evaluated: 2025-03-31. Review status: criteria provided, single submitter. Criteria: Natera Variant Classification Schema (03/2026). Collection method: clinical testing. Allele origin: germline.
Comment: The c.1093delG variant in CHRNE is a frameshift variant predicted to shift the reading frame beginning at codon 365 and leads to a stop codon 20 codons downstream. This variant is expected to result in nonsense mediated decay, truncation, or a dysfunctional protein product. This variant is rare in the general population with a frequency below the threshold expected for the associated phenotype(s). Given the available evidence, this variant is classified as Likely Pathogenic.

Baylor Genetics
Classification: Pathogenic for Congenital myasthenic syndrome 4A. Last evaluated: 2023-05-17. Review status: criteria provided, single submitter. Criteria: ACMG Guidelines, 2015. Collection method: clinical testing. Allele origin: unknown.

Revvity Omics, Revvity
Classification: Likely pathogenic. Last evaluated: 2021-03-31. Review status: criteria provided, single submitter. Criteria: ACMG Guidelines, 2015. Collection method: clinical testing. Allele origin: germline.

Eurofins Ntd Llc (ga)
Classification: Pathogenic. Last evaluated: 2016-02-17. Review status: criteria provided, single submitter. Criteria: EGL Classification Definitions 2015. Collection method: clinical testing. Allele origin: germline. Observed: 1 variant allele, 1 heterozygote.

Literature cited by the submitters: PubMed 22678886 (cited by Labcorp Genetics (formerly Invitae), Labcorp).